The following is an entry in ClinVar:

ClinVar aggregate classification (germline): Conflicting classifications of pathogenicity. Review status: criteria provided, conflicting classifications (1 of 4 stars). 2 submissions from 2 submitters: Uncertain significance (1); Likely benign (1). Last evaluated 2025-09-05.

Conditions:
Hereditary cancer-predisposing syndrome. Also called: Neoplastic Syndromes, Hereditary; Hereditary Cancer Syndrome; Tumor predisposition; Hereditary neoplastic syndrome. Identifiers: Orphanet 140162, MedGen C0027672, MeSH D009386, MONDO:0015356.

gnomAD v4.1: 1 of 1,614,098 alleles (0.000062%); no homozygotes.

Submissions (2):

Ambry Genetics
Classification: Likely benign for Hereditary cancer-predisposing syndrome. Last evaluated: 2025-09-05. Review status: criteria provided, single submitter. Criteria: Ambry Variant Classification Scheme 2023. Collection method: clinical testing. Allele origin: germline.

Labcorp Genetics (formerly Invitae), Labcorp
Classification: Uncertain significance. Last evaluated: 2023-09-26. Review status: criteria provided, single submitter. Criteria: Invitae Variant Classification Sherloc (09022015). Collection method: clinical testing. Allele origin: germline.
Comment: This sequence change replaces aspartic acid, which is acidic and polar, with glutamic acid, which is acidic and polar, at codon 213 of the POLE protein (p.Asp213Glu). This variant is not present in population databases (gnomAD no frequency). In summary, the available evidence is currently insufficient to determine the role of this variant in disease. Therefore, it has been classified as a Variant of Uncertain Significance. Advanced modeling of protein sequence and biophysical properties (such as structural, functional, and spatial information, amino acid conservation, physicochemical variation, residue mobility, and thermodynamic stability) performed at Invitae indicates that this missense variant is not expected to disrupt POLE protein function. ClinVar contains an entry for this variant (Variation ID: 2037218). This variant has not been reported in the literature in individuals affected with POLE-related conditions.

NM_006231.4(POLE):c.639C>G (p.Asp213Glu)

Gene: POLE (DNA polymerase epsilon, catalytic subunit; minus strand). Cytogenetic location: 12q24.33.
Variant type: single nucleotide variant.
Coding change: c.639C>G on transcript NM_006231.4 (MANE Select); coding-DNA position 639, C replaced by G.
Protein change: p.Asp213Glu; replaces aspartic acid 213 with glutamic acid.
Molecular consequence: missense variant.
Genome position (GRCh38, 1-based): chr12:132,677,659, G>C on the plus strand (C>G on the coding strand, the complement: POLE is on the minus strand). VCF-style: chr12-132677659-G-C. GRCh37 (hg19) VCF-style: chr12-133254245-G-C.
Other names: c.639C>G (NM_006231.2); short protein forms D213E.
Identifiers: ClinVar variation 2037218 (VCV002037218.7), dbSNP rs930378312, ClinGen allele CA246300378.